The following is an entry in ClinVar:

NC_000020.11:g.8962307G>A

Variant type: single nucleotide variant.
Genome position: GRCh38 VCF-style: chr20-8962307-G-A. GRCh37 (hg19) VCF-style: chr20-8942954-G-A.
Identifiers: ClinVar variation 3255250 (VCV003255250.2), dbSNP rs6086714.

ClinVar aggregate classification (germline): Benign (1 of 4 stars; one submission).

Submission:

Unidad de Genómica Garrahan, Hospital de Pediatría Garrahan
Classification: Benign. Last evaluated: 2024-07-15. Review status: criteria provided, single submitter. Criteria: ACMG Guidelines, 2015. Collection method: clinical testing. Allele origin: germline. Affected: no. Observed: 61 variant alleles.
Comment: This variant is classified as Benign based on local population frequency. This variant was detected in 66% of patients studied in a panel designed for Epileptic and Developmental Encephalopathy and Progressive Myoclonus Epilepsy. Number of patients: 61. Only high quality variants are reported.